The following is an entry in ClinVar:

NM_001273.5(CHD4):c.5169G>C (p.Lys1723Asn)

Genes: CHD4 (chromodomain helicase DNA binding protein 4; minus strand), CHD4-AS1 (CHD4 antisense RNA 1; plus strand). Cytogenetic location: 12p13.31.
Variant type: single nucleotide variant.
Coding change: c.5169G>C on transcript NM_001273.5 (MANE Select); coding-DNA position 5169, G replaced by C.
Protein change: p.Lys1723Asn; replaces lysine 1723 with asparagine.
Molecular consequence: missense variant.
Genome position (GRCh38, 1-based): chr12:6,578,088, C>G on the plus strand (G>C on the coding strand, the complement: CHD4 is on the minus strand). VCF-style: chr12-6578088-C-G. GRCh37 (hg19) VCF-style: chr12-6687254-C-G.
Other names: c.5148G>C, p.Lys1716Asn (NM_001297553.2); c.5136G>C, p.Lys1712Asn (NM_001363606.2); short protein forms K1712N, K1716N, K1723N.
Identifiers: ClinVar variation 3369373 (VCV003369373.1).

ClinVar aggregate classification (germline): Uncertain significance (1 of 4 stars; one submission).

Submission:

GeneDx
Classification: Uncertain significance. Last evaluated: 2024-02-16. Review status: criteria provided, single submitter. Criteria: GeneDx Variant Classification Process June 2021. Collection method: clinical testing. Allele origin: germline. Affected: yes.
Comment: Not observed at significant frequency in large population cohorts (gnomAD); In silico analysis supports that this missense variant does not alter protein structure/function; Has not been previously published as pathogenic or benign to our knowledge